The following is an entry in ClinVar:

ClinVar aggregate classification (germline): Uncertain significance (1 of 4 stars; one submission).

Submission:

Labcorp Genetics (formerly Invitae), Labcorp
Classification: Uncertain significance. Last evaluated: 2023-11-29. Review status: criteria provided, single submitter. Criteria: Invitae Variant Classification Sherloc (09022015). Collection method: clinical testing. Allele origin: germline.
Comment: This sequence change replaces isoleucine, which is neutral and non-polar, with methionine, which is neutral and non-polar, at codon 68 of the COL2A1 protein (p.Ile68Met). This variant is not present in population databases (gnomAD no frequency). This variant has not been reported in the literature in individuals affected with COL2A1-related conditions. Advanced modeling of protein sequence and biophysical properties (such as structural, functional, and spatial information, amino acid conservation, physicochemical variation, residue mobility, and thermodynamic stability) performed at Invitae indicates that this missense variant is not expected to disrupt COL2A1 protein function with a negative predictive value of 95%. In summary, the available evidence is currently insufficient to determine the role of this variant in disease. Therefore, it has been classified as a Variant of Uncertain Significance.

NM_001844.5(COL2A1):c.204C>G (p.Ile68Met)

Gene: COL2A1 (collagen type II alpha 1 chain; minus strand). Cytogenetic location: 12q13.11.
Variant type: single nucleotide variant.
Coding change: c.204C>G on transcript NM_001844.5 (MANE Select); coding-DNA position 204, C replaced by G.
Protein change: p.Ile68Met; replaces isoleucine 68 with methionine.
Molecular consequence: missense variant. On other transcripts: intron variant (1).
Genome position (GRCh38, 1-based): chr12:48,000,007, G>C on the plus strand (C>G on the coding strand, the complement: COL2A1 is on the minus strand). VCF-style: chr12-48000007-G-C. GRCh37 (hg19) VCF-style: chr12-48393790-G-C.
Other names: c.86-1576C>G (NM_033150.3); short protein forms I68M.
Identifiers: ClinVar variation 2771414 (VCV002771414.3), dbSNP rs2136637135, ClinGen allele CA384526197.